The following is an entry in ClinVar:

NM_006147.4(IRF6):c.641C>T (p.Pro214Leu)

Gene: IRF6 (interferon regulatory factor 6; minus strand). Cytogenetic location: 1q32.2.
Variant type: single nucleotide variant.
Coding change: c.641C>T on transcript NM_006147.4 (MANE Select); coding-DNA position 641, C replaced by T.
Protein change: p.Pro214Leu; replaces proline 214 with leucine.
Molecular consequence: missense variant.
Genome position (GRCh38, 1-based): chr1:209,792,295, G>A on the plus strand (C>T on the coding strand, the complement: IRF6 is on the minus strand). VCF-style: chr1-209792295-G-A. GRCh37 (hg19) VCF-style: chr1-209965640-G-A.
Other names: c.356C>T, p.Pro119Leu (NM_001206696.2); short protein forms P119L, P214L.
Identifiers: ClinVar variation 4994561 (VCV004994561.1).
Genomic context (GRCh38, chr1:209,792,295, plus strand): 5'-GAAGACCGAGCAAGAAAGATAAAGTCTCACTTACTTGGGAGAGAGCTGATCCACAGTTCT[G>A]GAGAGCTATAGAAGGGCTGTATAGGTGCCTGGGGTACTTCCATCTCCAGGGGTTCAGTTT-3'
Protein context (NP_006138.1, residues 204-224): QAPIQPFYSS[Pro214Leu]ELWISSLPMT

ClinVar aggregate classification (germline): Uncertain significance (1 of 4 stars; one submission).

Conditions:
IRF6-related condition. Also called: IRF6-related disorder; IRF6-Related Disorders. Identifiers: MedGen CN378148, MONDO:1040010.

Submission:

PreventionGenetics, part of Exact Sciences
Classification: Uncertain significance for IRF6-related condition. Last evaluated: 2026-01-06. Review status: criteria provided, single submitter. Criteria: ACMG Guidelines, 2015. Collection method: clinical testing. Allele origin: germline.
Comment: The IRF6 c.641C>T variant is predicted to result in the amino acid substitution p.Pro214Leu. To our knowledge, this variant has not been reported in the literature or in a large population database (gnomAD), indicating this variant is rare. At this time, the clinical significance of this variant is uncertain due to the absence of conclusive functional and genetic evidence.